The following is an entry in ClinVar:

NM_000179.3(MSH6):c.3327T>C (p.Ile1109=)

Gene: MSH6 (mutS homolog 6; plus strand). Cytogenetic location: 2p16.3.
Variant type: single nucleotide variant.
Coding change: c.3327T>C on transcript NM_000179.3 (MANE Select); coding-DNA position 3327, T replaced by C.
Protein change: p.Ile1109=; no amino-acid change (isoleucine 1109 retained).
Molecular consequence: synonymous variant.
Genome position (GRCh38, 1-based): chr2:47,803,574, T>C. VCF-style: chr2-47803574-T-C. GRCh37 (hg19) VCF-style: chr2-48030713-T-C.
Other names: c.2937T>C, p.Ile979= (NM_001281492.2); c.2421T>C, p.Ile807= (NM_001281493.2, NM_001281494.2).
Identifiers: ClinVar variation 237187 (VCV000237187.14), dbSNP rs878853733, ClinGen allele CA10582084.

ClinVar aggregate classification (germline): Benign/Likely benign. Review status: criteria provided, multiple submitters, no conflicts (2 of 4 stars). 4 submissions from 4 submitters: Benign (1); Likely benign (3). Last evaluated 2025-01-06.

Conditions:
Hereditary nonpolyposis colorectal neoplasms. Identifiers: MedGen C0009405, MeSH D003123.
Hereditary cancer-predisposing syndrome. Also called: Hereditary neoplastic syndrome; Hereditary Cancer Syndrome; Neoplastic Syndromes, Hereditary; Tumor predisposition. Identifiers: Orphanet 140162, MedGen C0027672, MeSH D009386, MONDO:0015356.
Lynch syndrome 5 (LYNCH5). Also called: Hereditary non-polyposis colorectal cancer, type 5; Colorectal cancer, hereditary nonpolyposis, type 5. Identifiers: Orphanet 144, MedGen C1833477, MONDO:0013710, OMIM 614350. Disease mechanism: loss of function.

Allele frequency attached by ClinVar (database versions not stated): gnomAD exomes below 0.00001.
gnomAD v4.1: 1 of 1,614,180 alleles (0.000062%); highest among the groups gnomAD compares: Non-Finnish European, 0.000085%; no homozygotes.

Submissions (4):

Myriad Genetics, Inc.
Classification: Benign for Lynch syndrome 5. Last evaluated: 2025-01-06. Review status: criteria provided, single submitter. Criteria: Myriad Autosomal Dominant, Autosomal Recessive and X-Linked Classification Criteria (2023). Collection method: clinical testing. Allele origin: unknown.
Comment: This variant is considered benign. This variant is a silent/synonymous amino acid change and it is not expected to impact splicing.

Labcorp Genetics (formerly Invitae), Labcorp
Classification: Likely benign for Hereditary nonpolyposis colorectal neoplasms. Last evaluated: 2024-05-02. Review status: criteria provided, single submitter. Criteria: Invitae Variant Classification Sherloc (09022015). Collection method: clinical testing. Allele origin: germline.

Ambry Genetics
Classification: Likely benign for Hereditary cancer-predisposing syndrome. Last evaluated: 2021-11-17. Review status: criteria provided, single submitter. Criteria: Ambry Variant Classification Scheme 2023. Collection method: clinical testing. Allele origin: germline.

Color Diagnostics, LLC DBA Color Health
Classification: Likely benign for Hereditary cancer-predisposing syndrome. Last evaluated: 2017-10-06. Review status: criteria provided, single submitter. Criteria: ACMG Guidelines, 2015. Collection method: clinical testing. Allele origin: germline.